The following is an entry in ClinVar:

ClinVar aggregate classification (germline): Likely benign. Review status: criteria provided, multiple submitters, no conflicts (2 of 4 stars). 3 submissions from 3 submitters: Likely benign (3). Last evaluated 2026-02-01.

Conditions:
Dilated cardiomyopathy 1G (CMD1G). Identifiers: Orphanet 154, MedGen C1858763, MONDO:0011400, OMIM 604145.
Autosomal recessive limb-girdle muscular dystrophy type 2J (LGMDR10). Also called: Limb-girdle muscular dystrophy, type 2J; MUSCULAR DYSTROPHY, LIMB-GIRDLE, AUTOSOMAL RECESSIVE 10. Identifiers: Orphanet 140922, MedGen C1837342, MONDO:0012127, OMIM 608807.
Cardiovascular phenotype. Identifiers: MedGen CN230736.

Allele frequency attached by ClinVar (database versions not stated): gnomAD exomes below 0.00001 and 0.00001; ExAC 0.00002; gnomAD 0.00004 and 0.00005; TOPMed 0.00005.
gnomAD v4.1: 10 of 1,613,694 alleles (0.00062%); highest among the groups gnomAD compares: African/African-American, 0.013%; no homozygotes.

Submissions (3):

Labcorp Genetics (formerly Invitae), Labcorp
Classification: Likely benign for Dilated cardiomyopathy 1G; Autosomal recessive limb-girdle muscular dystrophy type 2J. Last evaluated: 2026-02-01. Review status: criteria provided, single submitter. Criteria: Invitae Variant Classification Sherloc (09022015). Collection method: clinical testing. Allele origin: germline.

Ambry Genetics
Classification: Likely benign for Cardiovascular phenotype. Last evaluated: 2021-04-01. Review status: criteria provided, single submitter. Criteria: Ambry Variant Classification Scheme 2023. Collection method: clinical testing. Allele origin: germline.

GeneDx
Classification: Likely benign. Last evaluated: 2017-06-22. Review status: criteria provided, single submitter. Criteria: GeneDx Variant Classification (06012015). Collection method: clinical testing. Allele origin: germline. Affected: yes.
Comment: This variant is considered likely benign or benign based on one or more of the following criteria: it is a conservative change, it occurs at a poorly conserved position in the protein, it is predicted to be benign by multiple in silico algorithms, and/or has population frequency not consistent with disease.

NM_001267550.2(TTN):c.12498T>C (p.Ile4166=)

Gene: TTN (titin; minus strand). Cytogenetic location: 2q31.2.
Variant type: single nucleotide variant.
Coding change: c.12498T>C on transcript NM_001267550.2 (MANE Select); coding-DNA position 12498, T replaced by C.
Protein change: p.Ile4166=; no amino-acid change (isoleucine 4166 retained).
Molecular consequence: synonymous variant. On other transcripts: intron variant (1).
Genome position (GRCh38, 1-based): chr2:178,740,735, A>G on the plus strand (T>C on the coding strand, the complement: TTN is on the minus strand). VCF-style: chr2-178740735-A-G. GRCh37 (hg19) VCF-style: chr2-179605462-A-G.
Other names: c.11547T>C, p.Ile3849= (NM_001256850.1); c.11409T>C, p.Ile3803= (NM_003319.4); c.11784T>C, p.Ile3928= (NM_133432.3); c.11985T>C, p.Ile3995= (NM_133437.4); c.10361-2375T>C (NM_133378.4).
Identifiers: ClinVar variation 510530 (VCV000510530.12), dbSNP rs756194386, ClinGen allele CA2002701.